The following is an entry in ClinVar:

NM_000277.3(PAH):c.1163T>C (p.Val388Ala)

Gene: PAH (phenylalanine hydroxylase; minus strand). Cytogenetic location: 12q23.2.
Variant type: single nucleotide variant.
Coding change: c.1163T>C on transcript NM_000277.3 (MANE Select); coding-DNA position 1163, T replaced by C.
Protein change: p.Val388Ala; replaces valine 388 with alanine.
Molecular consequence: missense variant.
Genome position (GRCh38, 1-based): chr12:102,843,682, A>G on the plus strand (T>C on the coding strand, the complement: PAH is on the minus strand). VCF-style: chr12-102843682-A-G. GRCh37 (hg19) VCF-style: chr12-103237460-A-G.
Other names: c.1163T>C, p.Val388Ala (NM_001354304.2); short protein forms V388A.
Identifiers: ClinVar variation 120260 (VCV000120260.4), dbSNP rs281865435, ClinGen allele CA267628.
Genomic context (GRCh38, chr12:102,843,682, plus strand): 5'-GGCTCACCTTTGTCACCACCTCACCTTACTTTCTCCTTGGCATCATTAAAACTCTCTGCC[A>G]CGTAATAGAGGGGCTGGAACTCCGTGACAGTGTAATTTTGGATGGCTGTCTTCTCCAGCT-3'
Protein context (NP_000268.1, residues 378-398): TVTEFQPLYY[Val388Ala]AESFNDAKEK

ClinVar aggregate classification (germline): Likely pathogenic. Review status: reviewed by expert panel (3 of 4 stars). 2 submissions from 2 submitters: Likely pathogenic (1). 1 of the submissions does not count toward it. Last evaluated 2019-05-05.

Conditions:
Phenylketonuria (PKU). Also called: Phenylketonuria (PKU); FOLLING DISEASE; OLIGOPHRENIA PHENYLPYRUVICA; Phenylketonurias. Identifiers: Orphanet 716, MedGen C0031485, MONDO:0009861, OMIM 261600. Disease mechanism: loss of function.

Allele frequency attached by ClinVar (database versions not stated): gnomAD exomes below 0.00001.
gnomAD v4.1: 2 of 1,613,674 alleles (0.00012%); highest among the groups gnomAD compares: Non-Finnish European, 0.00017%; no homozygotes.

Submissions (2):

ClinGen PAH Variant Curation Expert Panel
Classification: Likely pathogenic for Phenylketonuria. Last evaluated: 2019-05-05. Review status: reviewed by expert panel. Criteria: ClinGen PAH ACMG Specifications v1. Collection method: curation. Allele origin: germline. Inheritance: Autosomal recessive inheritance.
Comment: The c.1163T>C (p.Val388Ala) variant in PAH has been previously reported Likely Pathogenic by one clinical laboratory in ClinVar (see variant ID 120260); the collection method is stated as 'literature only' and no further information is provided. The proband was said to be heterozygous for the variant and also harbor the known pathogenic (per ClinGen PAH working group classification, see ClinVar ID 92731) c.1208C>T (Ala403Val); however, the manuscript did not specify whether the phase of the variants was confirmed via parental testing. Thus, at this point, PM3 cannot be applied with full confidence. The variant results in the substitution of a moderately conserved Valine residue with Alanine, a physiochemically similar amino acid. However, the amino acid substitution is predicted damaging by multiple lines of computational evidence e.g., Predicted deleterious in SIFT, Polyphen2, Mutation Taster. REVEL= 0.919) (PP3). It is absent from control databases including ethnically matched individuals, including gnomAD/ExAC, 1000 Genomes, and ESP (PM2). Other missense changes at this Valine residue (Val388) have been previously reported Pathogenic or Likely Pathogenic in ClinVar, e.g., p.Val388Met (Pathogenic per internal PAH ClinGen Working Group classification, ClinVar ID 619), as well as p.Val388Leu (PM5). The c.181A>G (p.Asn61Asp) variant in PAH has been reported in 1 individual with mild PKU (BH4 deficiency excluded). (PP4_Moderate; PMID: 12501224). This variant is absent in population databases (PM2). This variant was detected with p.R261Q (Pathogenic/likely pathogenic in ClinVar) (PM3; PMID: 12501224). Computational evidence is conflicting. In summary, this variant meets criteria to be classified as likely pathogenic for PAH. PAH-specific ACMG/AMP criteria applied: PP4, PM2, PM5, PP3.

Inserm U 954, Faculté de Médecine de Nancy
Classification: Likely pathogenic for Phenylketonuria. Review status: no assertion criteria provided. Collection method: not provided. Allele origin: unknown. Not counted in ClinVar's aggregate classification.
Comment: PKU patients
ClinVar note: Converted during submission from probable-pathogenic to Likely pathogenic.

Literature cited by the submitters: PubMed 26666653 (cited by ClinGen PAH Variant Curation Expert Panel).